The following is an entry in ClinVar:

NM_005393.3(PLXNB3):c.3464G>T (p.Arg1155Leu)

Gene: PLXNB3 (plexin B3; plus strand). Cytogenetic location: Xq28.
Variant type: single nucleotide variant.
Coding change: c.3464G>T on transcript NM_005393.3 (MANE Select); coding-DNA position 3464, G replaced by T.
Protein change: p.Arg1155Leu; replaces arginine 1155 with leucine.
Molecular consequence: missense variant.
Genome position (GRCh38, 1-based): chrX:153,774,043, G>T. VCF-style: chrX-153774043-G-T. GRCh37 (hg19) VCF-style: chrX-153039498-G-T.
Other names: c.3533G>T, p.Arg1178Leu (NM_001163257.2); short protein forms R1155L, R1178L.
Identifiers: ClinVar variation 3771369 (VCV003771369.13).
Genomic context (GRCh38, chrX:153,774,043, plus strand): 5'-GTGCCAGTGGGGGCCAGGGCTTCCTGTACCAGCCCAACCCCCGCCTGGCACCCCTCAGCC[G>T]CGAGGGGCCTGCCCGCCCCTACCGCCTCAAGCCAGGCCATGTCCTGGATGTGGAGGTGAG-3'
Protein context (NP_005384.2, residues 1145-1165): QPNPRLAPLS[Arg1155Leu]EGPARPYRLK

ClinVar aggregate classification (germline): Uncertain significance (1 of 4 stars; one submission).

Submission:

CeGaT Center for Human Genetics Tuebingen
Classification: Uncertain significance. Last evaluated: 2025-01-01. Review status: criteria provided, single submitter. Criteria: CeGaT Center For Human Genetics Tuebingen Variant Classification Criteria Version 2. Collection method: clinical testing. Allele origin: germline. Affected: yes. Observed: 1 variant allele.
Comment: PLXNB3: PM2, BP4